The following is an entry in ClinVar:

NM_003235.5(TG):c.3566G>A (p.Trp1189Ter)

Gene: TG (thyroglobulin; plus strand). Cytogenetic location: 8q24.22.
Variant type: single nucleotide variant.
Coding change: c.3566G>A on transcript NM_003235.5 (MANE Select); coding-DNA position 3566, G replaced by A.
Protein change: p.Trp1189Ter; replaces tryptophan 1189 with a stop codon.
Molecular consequence: nonsense.
Genome position (GRCh38, 1-based): chr8:132,901,485, G>A. VCF-style: chr8-132901485-G-A. GRCh37 (hg19) VCF-style: chr8-133913730-G-A.
Other names: short protein forms W1189*.
Identifiers: ClinVar variation 2693666 (VCV002693666.3), dbSNP rs2490066079, ClinGen allele CA372242366.

ClinVar aggregate classification (germline): Pathogenic (1 of 4 stars; one submission).

Submission:

Labcorp Genetics (formerly Invitae), Labcorp
Classification: Pathogenic. Last evaluated: 2023-11-06. Review status: criteria provided, single submitter. Criteria: Invitae Variant Classification Sherloc (09022015). Collection method: clinical testing. Allele origin: germline.
Comment: This sequence change creates a premature translational stop signal (p.Trp1189*) in the TG gene. It is expected to result in an absent or disrupted protein product. Loss-of-function variants in TG are known to be pathogenic (PMID: 19837936, 23164529). This variant is not present in population databases (gnomAD no frequency). This variant has not been reported in the literature in individuals affected with TG-related conditions. Algorithms developed to predict the effect of sequence changes on RNA splicing suggest that this variant may disrupt the consensus splice site. For these reasons, this variant has been classified as Pathogenic.

Literature cited by the submitters: PubMed 19837936; PubMed 23164529.